The following is an entry in ClinVar:

ClinVar aggregate classification (germline): Benign (1 of 4 stars; one submission).

Conditions:
Autosomal recessive osteopetrosis 5. Identifiers: Orphanet 85179, MedGen C1968603, MONDO:0009817, OMIM 259720.

Allele frequency attached by ClinVar (database versions not stated): 1000 Genomes Project 0.00978; gnomAD 0.01035 and 0.01114; 1000 Genomes Project 30x 0.01093; TOPMed 0.01220.

Submission:

Illumina Laboratory Services, Illumina
Classification: Benign for Autosomal recessive osteopetrosis 5. Last evaluated: 2018-01-12. Review status: criteria provided, single submitter. Criteria: ICSL Variant Classification Criteria 13 December 2019. Collection method: clinical testing. Allele origin: germline.
Comment: This variant was observed in the ICSL laboratory as part of a predisposition screen in an ostensibly healthy population. It had not been previously curated by ICSL or reported in the Human Gene Mutation Database (HGMD: prior to June 1st, 2018), and was therefore a candidate for classification through an automated scoring system. Utilizing variant allele frequency, disease prevalence and penetrance estimates, and inheritance mode, an automated score was calculated to assess if this variant is too frequent to cause the disease. Based on the score and internal cut-off values, a variant classified as benign is not then subjected to further curation. The score for this variant resulted in a classification of benign for this disease.

NM_014028.4(OSTM1):c.*1082G>A

Gene: OSTM1 (osteoclastogenesis associated transmembrane protein 1; minus strand). Cytogenetic location: 6q21.
Variant type: single nucleotide variant.
Coding change: c.*1082G>A on transcript NM_014028.4 (MANE Select); 1082 bases downstream of the stop codon, G replaced by A.
Molecular consequence: 3 prime UTR variant.
Genome position (GRCh38, 1-based): chr6:108,043,703, C>T on the plus strand (G>A on the coding strand, the complement: OSTM1 is on the minus strand). VCF-style: chr6-108043703-C-T. GRCh37 (hg19) VCF-style: chr6-108364907-C-T.
Identifiers: ClinVar variation 354968 (VCV000354968.5), dbSNP rs148730821, ClinGen allele CA10621205.